The following is an entry in ClinVar:

NM_001040436.3(YARS2):c.449C>A (p.Ala150Asp)

Gene: YARS2 (tyrosyl-tRNA synthetase 2; minus strand). Cytogenetic location: 12p11.21.
Variant type: single nucleotide variant.
Coding change: c.449C>A on transcript NM_001040436.3 (MANE Select); coding-DNA position 449, C replaced by A.
Protein change: p.Ala150Asp; replaces alanine 150 with aspartic acid.
Molecular consequence: missense variant.
Genome position (GRCh38, 1-based): chr12:32,755,426, G>T on the plus strand (C>A on the coding strand, the complement: YARS2 is on the minus strand). VCF-style: chr12-32755426-G-T. GRCh37 (hg19) VCF-style: chr12-32908360-G-T.
Other names: short protein forms A150D.
Identifiers: ClinVar variation 1972777 (VCV001972777.5), dbSNP rs755838102, ClinGen allele CA6508166.

ClinVar aggregate classification (germline): Uncertain significance (1 of 4 stars; one submission).

Allele frequency attached by ClinVar (database versions not stated): gnomAD exomes below 0.00001; TOPMed below 0.00001; ExAC 0.00002.

Submission:

Labcorp Genetics (formerly Invitae), Labcorp
Classification: Uncertain significance. Last evaluated: 2022-08-05. Review status: criteria provided, single submitter. Criteria: Invitae Variant Classification Sherloc (09022015). Collection method: clinical testing. Allele origin: germline.
Comment: In summary, the available evidence is currently insufficient to determine the role of this variant in disease. Therefore, it has been classified as a Variant of Uncertain Significance. Advanced modeling of protein sequence and biophysical properties (such as structural, functional, and spatial information, amino acid conservation, physicochemical variation, residue mobility, and thermodynamic stability) performed at Invitae indicates that this missense variant is not expected to disrupt YARS2 protein function. This variant has not been reported in the literature in individuals affected with YARS2-related conditions. This variant is present in population databases (rs755838102, gnomAD 0.006%). This sequence change replaces alanine, which is neutral and non-polar, with aspartic acid, which is acidic and polar, at codon 150 of the YARS2 protein (p.Ala150Asp).